The following is an entry in ClinVar:

ClinVar aggregate classification (germline): Uncertain significance (1 of 4 stars; one submission).

gnomAD v4.1: 1 of 1,614,002 alleles (0.000062%); highest among the groups gnomAD compares: Admixed American, 0.0017%; no homozygotes.

Submission:

GeneDx
Classification: Uncertain significance. Last evaluated: 2023-12-21. Review status: criteria provided, single submitter. Criteria: GeneDx Variant Classification Process June 2021. Collection method: clinical testing. Allele origin: germline. Affected: yes.
Comment: Not observed at significant frequency in large population cohorts (gnomAD); In silico analysis supports that this missense variant has a deleterious effect on protein structure/function; Has not been previously published as pathogenic or benign to our knowledge

NM_025137.4(SPG11):c.887T>G (p.Leu296Arg)

Gene: SPG11 (SPG11 vesicle trafficking associated, spatacsin; minus strand). Cytogenetic location: 15q21.1.
Variant type: single nucleotide variant.
Coding change: c.887T>G on transcript NM_025137.4 (MANE Select); coding-DNA position 887, T replaced by G.
Protein change: p.Leu296Arg; replaces leucine 296 with arginine.
Molecular consequence: missense variant.
Genome position (GRCh38, 1-based): chr15:44,652,249, A>C on the plus strand (T>G on the coding strand, the complement: SPG11 is on the minus strand). VCF-style: chr15-44652249-A-C. GRCh37 (hg19) VCF-style: chr15-44944447-A-C.
Other names: c.887T>G, p.Leu296Arg (NM_001160227.2, NM_001411132.1); short protein forms L296R.
Identifiers: ClinVar variation 3370247 (VCV003370247.1).